The following is an entry in ClinVar:

NM_003896.4(ST3GAL5):c.344T>A (p.Val115Asp)

Gene: ST3GAL5 (ST3 beta-galactoside alpha-2,3-sialyltransferase 5; minus strand). Cytogenetic location: 2p11.2.
Variant type: single nucleotide variant.
Coding change: c.344T>A on transcript NM_003896.4 (MANE Select); coding-DNA position 344, T replaced by A.
Protein change: p.Val115Asp; replaces valine 115 with aspartic acid.
Molecular consequence: missense variant. On other transcripts: 5 prime UTR variant (7).
Genome position (GRCh38, 1-based): chr2:85,848,179, A>T on the plus strand (T>A on the coding strand, the complement: ST3GAL5 is on the minus strand). VCF-style: chr2-85848179-A-T. GRCh37 (hg19) VCF-style: chr2-86075302-A-T.
Other names: c.275T>A, p.Val92Asp (NM_001042437.2); c.-41T>A (NM_001354223.2, NM_001354224.2, NM_001354226.2 and 3 more transcripts); c.260T>A, p.Val87Asp (NM_001354227.2, NM_001354229.2, NM_001354238.1); c.-561T>A (NM_001354247.1); c.344T>A, p.Val115Asp (NM_001363847.1); short protein forms V87D, V115D, V92D.
Identifiers: ClinVar variation 650345 (VCV000650345.9), dbSNP rs1370274550, ClinGen allele CA347532975.

ClinVar aggregate classification (germline): Uncertain significance (1 of 4 stars; one submission).

Conditions:
GM3 synthase deficiency (SPDRS). Also called: SALT AND PEPPER MENTAL RETARDATION SYNDROME; SALT AND PEPPER DEVELOPMENTAL REGRESSION SYNDROME; AMISH INFANTILE EPILEPSY SYNDROME. Identifiers: Orphanet 171714, Orphanet 370933, MedGen C1836824, MONDO:0018274, OMIM 609056.

Allele frequency attached by ClinVar (database versions not stated): gnomAD exomes below 0.00001.
gnomAD v4.1: 1 of 1,614,190 alleles (0.000062%); highest among the groups gnomAD compares: South Asian, 0.0011%; no homozygotes.

Submission:

Labcorp Genetics (formerly Invitae), Labcorp
Classification: Uncertain significance for GM3 synthase deficiency. Last evaluated: 2022-08-10. Review status: criteria provided, single submitter. Criteria: Invitae Variant Classification Sherloc (09022015). Collection method: clinical testing. Allele origin: germline.
Comment: In summary, the available evidence is currently insufficient to determine the role of this variant in disease. Therefore, it has been classified as a Variant of Uncertain Significance. Algorithms developed to predict the effect of missense changes on protein structure and function (SIFT, PolyPhen-2, Align-GVGD) all suggest that this variant is likely to be disruptive. ClinVar contains an entry for this variant (Variation ID: 650345). This variant has not been reported in the literature in individuals affected with ST3GAL5-related conditions. This variant is present in population databases (no rsID available, gnomAD 0.003%). This sequence change replaces valine, which is neutral and non-polar, with aspartic acid, which is acidic and polar, at codon 115 of the ST3GAL5 protein (p.Val115Asp).